The following is an entry in ClinVar:

NM_002715.4(PPP2CA):c.179G>T (p.Gly60Val)

Gene: PPP2CA (protein phosphatase 2 catalytic subunit alpha; minus strand). Cytogenetic location: 5q31.1.
Variant type: single nucleotide variant.
Coding change: c.179G>T on transcript NM_002715.4 (MANE Select); coding-DNA position 179, G replaced by T.
Protein change: p.Gly60Val; replaces glycine 60 with valine.
Molecular consequence: missense variant. On other transcripts: 5 prime UTR variant (1), non-coding transcript variant (1).
Genome position (GRCh38, 1-based): chr5:134,206,055, C>A on the plus strand (G>T on the coding strand, the complement: PPP2CA is on the minus strand). VCF-style: chr5-134206055-C-A. GRCh37 (hg19) VCF-style: chr5-133541746-C-A.
Other names: c.-17G>T (NM_001355019.2); short protein forms G60V.
Identifiers: ClinVar variation 692143 (VCV000692143.1), dbSNP rs1580641099, ClinGen allele CA360994207.

ClinVar aggregate classification (germline): Uncertain significance (1 of 4 stars; one submission).

Conditions:
Houge-Janssens syndrome 3. Also called: NEURODEVELOPMENTAL DISORDER AND LANGUAGE DELAY WITH OR WITHOUT STRUCTURAL BRAIN ABNORMALITIES. Identifiers: MedGen C5193048, MONDO:0032697, OMIM 618354.

Submission:

SIB Swiss Institute of Bioinformatics
Classification: Uncertain significance for Houge-Janssens syndrome 3. Last evaluated: 2019-07-15. Review status: criteria provided, single submitter. Criteria: ACMG Guidelines, 2015. Collection method: curation. Allele origin: unknown.
Comment: This variant is interpreted as a variant of uncertain significance for Neurodevelopmental disorder and language delay with or without structural brain abnormalities, autosomal dominant. The following ACMG Tag(s) were applied: PM2, PM6, PP3.

Literature cited by the submitters: PubMed 30595372.